The following is an entry in ClinVar:

NM_006922.4(SCN3A):c.5065A>T (p.Met1689Leu)

Gene: SCN3A (sodium voltage-gated channel alpha subunit 3; minus strand). Cytogenetic location: 2q24.3.
Variant type: single nucleotide variant.
Coding change: c.5065A>T on transcript NM_006922.4 (MANE Select); coding-DNA position 5065, A replaced by T.
Protein change: p.Met1689Leu; replaces methionine 1689 with leucine.
Molecular consequence: missense variant.
Genome position (GRCh38, 1-based): chr2:165,091,088, T>A on the plus strand (A>T on the coding strand, the complement: SCN3A is on the minus strand). VCF-style: chr2-165091088-T-A. GRCh37 (hg19) VCF-style: chr2-165947598-T-A.
Other names: c.4918A>T, p.Met1640Leu (NM_001081676.2, NM_001081677.2); c.5065A>T (NM_006922.3); short protein forms M1640L, M1689L.
Identifiers: ClinVar variation 2798295 (VCV002798295.4), dbSNP rs2468041163, ClinGen allele CA349017398.

ClinVar aggregate classification (germline): Uncertain significance. Review status: criteria provided, multiple submitters, no conflicts (2 of 4 stars). 2 submissions from 2 submitters: Uncertain significance (2). Last evaluated 2024-06-16.

Submissions (2):

GeneDx
Classification: Uncertain significance. Last evaluated: 2024-06-16. Review status: criteria provided, single submitter. Criteria: GeneDx Variant Classification Process June 2021. Collection method: clinical testing. Allele origin: germline. Affected: yes.
Comment: Not observed at significant frequency in large population cohorts (gnomAD); In silico analysis supports that this missense variant has a deleterious effect on protein structure/function; Has not been previously published as pathogenic or benign to our knowledge

Labcorp Genetics (formerly Invitae), Labcorp
Classification: Uncertain significance. Last evaluated: 2023-11-12. Review status: criteria provided, single submitter. Criteria: Invitae Variant Classification Sherloc (09022015). Collection method: clinical testing. Allele origin: germline.
Comment: This sequence change replaces methionine, which is neutral and non-polar, with leucine, which is neutral and non-polar, at codon 1689 of the SCN3A protein (p.Met1689Leu). This variant is not present in population databases (gnomAD no frequency). This variant has not been reported in the literature in individuals affected with SCN3A-related conditions. Advanced modeling of protein sequence and biophysical properties (such as structural, functional, and spatial information, amino acid conservation, physicochemical variation, residue mobility, and thermodynamic stability) performed at Invitae indicates that this missense variant is not expected to disrupt SCN3A protein function with a negative predictive value of 95%. In summary, the available evidence is currently insufficient to determine the role of this variant in disease. Therefore, it has been classified as a Variant of Uncertain Significance.